The following is an entry in ClinVar:

ClinVar aggregate classification (germline): Uncertain significance (1 of 4 stars; one submission).

Allele frequency attached by ClinVar (database versions not stated): ExAC 0.00001; gnomAD exomes 0.00001 and 0.00002; TOPMed 0.00002.
gnomAD v4.1: 5 of 1,614,058 alleles (0.00031%); highest among the groups gnomAD compares: Admixed American, 0.0083%; no homozygotes.

Submission:

Labcorp Genetics (formerly Invitae), Labcorp
Classification: Uncertain significance. Last evaluated: 2024-07-01. Review status: criteria provided, single submitter. Criteria: Invitae Variant Classification Sherloc (09022015). Collection method: clinical testing. Allele origin: germline.
Comment: This sequence change replaces asparagine, which is neutral and polar, with threonine, which is neutral and polar, at codon 387 of the FBLN5 protein (p.Asn387Thr). This variant is present in population databases (rs771998353, gnomAD 0.01%). This variant has not been reported in the literature in individuals affected with FBLN5-related conditions. ClinVar contains an entry for this variant (Variation ID: 1485848). Advanced modeling of protein sequence and biophysical properties (such as structural, functional, and spatial information, amino acid conservation, physicochemical variation, residue mobility, and thermodynamic stability) performed at Invitae indicates that this missense variant is not expected to disrupt FBLN5 protein function with a negative predictive value of 80%. In summary, the available evidence is currently insufficient to determine the role of this variant in disease. Therefore, it has been classified as a Variant of Uncertain Significance.

NM_006329.4(FBLN5):c.1160A>C (p.Asn387Thr)

Gene: FBLN5 (fibulin 5; minus strand). Cytogenetic location: 14q32.12.
Variant type: single nucleotide variant.
Coding change: c.1160A>C on transcript NM_006329.4 (MANE Select); coding-DNA position 1160, A replaced by C.
Protein change: p.Asn387Thr; replaces asparagine 387 with threonine.
Molecular consequence: missense variant.
Genome position (GRCh38, 1-based): chr14:91,877,512, T>G on the plus strand (A>C on the coding strand, the complement: FBLN5 is on the minus strand). VCF-style: chr14-91877512-T-G. GRCh37 (hg19) VCF-style: chr14-92343856-T-G.
Other names: c.1283A>C, p.Asn428Thr (NM_001384158.1); c.1211A>C, p.Asn404Thr (NM_001384159.1); c.1160A>C, p.Asn387Thr (NM_001384160.1); c.992A>C, p.Asn331Thr (NM_001384161.1, NM_001384162.1); short protein forms N331T, N387T, N404T, N428T.
Identifiers: ClinVar variation 1485848 (VCV001485848.6), dbSNP rs771998353, ClinGen allele CA7312611.